The following is an entry in ClinVar:

ClinVar aggregate classification (germline): Uncertain significance. Review status: criteria provided, multiple submitters, no conflicts (2 of 4 stars). 2 submissions from 2 submitters: Uncertain significance (2). Last evaluated 2022-05-21.

Conditions:
Mucopolysaccharidosis type 1. Also called: Mucopolysaccharidosis Type I; IDUA deficiency; MPS I. Identifiers: Orphanet 579, MedGen C0023786, MONDO:0001586.

Allele frequency attached by ClinVar (database versions not stated): ExAC 0.00002.
gnomAD v4.1: 1 of 1,597,052 alleles (0.000063%); highest among the groups gnomAD compares: Admixed American, 0.0018%; no homozygotes.

Submissions (2):

Labcorp Genetics (formerly Invitae), Labcorp
Classification: Uncertain significance for Mucopolysaccharidosis type 1. Last evaluated: 2022-05-21. Review status: criteria provided, single submitter. Criteria: Invitae Variant Classification Sherloc (09022015). Collection method: clinical testing. Allele origin: germline.
Comment: In summary, the available evidence is currently insufficient to determine the role of this variant in disease. Therefore, it has been classified as a Variant of Uncertain Significance. This variant disrupts the p.Glu276 amino acid residue in IDUA. Other variant(s) that disrupt this residue have been determined to be pathogenic (PMID: 21364962, 23786846). This suggests that this residue is clinically significant, and that variants that disrupt this residue are likely to be disease-causing. Algorithms developed to predict the effect of missense changes on protein structure and function are either unavailable or do not agree on the potential impact of this missense change (SIFT: "Tolerated"; PolyPhen-2: "Probably Damaging"; Align-GVGD: "Class C0"). This variant has not been reported in the literature in individuals affected with IDUA-related conditions. The frequency data for this variant in the population databases is considered unreliable, as metrics indicate poor data quality at this position in the gnomAD database. This sequence change replaces glutamic acid, which is acidic and polar, with aspartic acid, which is acidic and polar, at codon 276 of the IDUA protein (p.Glu276Asp).

Revvity Omics, Revvity
Classification: Uncertain significance. Last evaluated: 2019-02-14. Review status: criteria provided, single submitter. Criteria: ACMG Guidelines, 2015. Collection method: clinical testing. Allele origin: germline.

Literature cited by the submitters: PubMed 21364962 (cited by Labcorp Genetics (formerly Invitae), Labcorp); PubMed 23786846 (cited by Labcorp Genetics (formerly Invitae), Labcorp).

NM_000203.5(IDUA):c.828G>C (p.Glu276Asp)

Gene: IDUA (alpha-L-iduronidase; plus strand). Cytogenetic location: 4p16.3.
Variant type: single nucleotide variant.
Coding change: c.828G>C on transcript NM_000203.5 (MANE Select); coding-DNA position 828, G replaced by C.
Protein change: p.Glu276Asp; replaces glutamic acid 276 with aspartic acid.
Molecular consequence: missense variant. On other transcripts: non-coding transcript variant (1).
Genome position (GRCh38, 1-based): chr4:1,002,017, G>C. VCF-style: chr4-1002017-G-C. GRCh37 (hg19) VCF-style: chr4-995805-G-C.
Other names: c.432G>C, p.Glu144Asp (NM_001363576.1); c.828G>C (NM_000203.3); short protein forms E144D, E276D.
Identifiers: ClinVar variation 1997532 (VCV001997532.7), dbSNP rs779448832, ClinGen allele CA2802104.